The following is an entry in ClinVar:

NM_004371.4(COPA):c.668G>A (p.Gly223Glu)

Gene: COPA (coat protein complex I subunit alpha; minus strand). Cytogenetic location: 1q23.2.
Variant type: single nucleotide variant.
Coding change: c.668G>A on transcript NM_004371.4 (MANE Select); coding-DNA position 668, G replaced by A.
Protein change: p.Gly223Glu; replaces glycine 223 with glutamic acid.
Molecular consequence: missense variant.
Genome position (GRCh38, 1-based): chr1:160,323,469, C>T on the plus strand (G>A on the coding strand, the complement: COPA is on the minus strand). VCF-style: chr1-160323469-C-T. GRCh37 (hg19) VCF-style: chr1-160293259-C-T.
Other names: c.668G>A, p.Gly223Glu (NM_001098398.2); short protein forms G223E.
Identifiers: ClinVar variation 4279762 (VCV004279762.1).

ClinVar aggregate classification (germline): Uncertain significance (1 of 4 stars; one submission).

Conditions:
Autoimmune interstitial lung disease-arthritis syndrome. Also called: Autoinflammation and autoimmunity, systemic, with immune dysregulation. Identifiers: Orphanet 444092, MedGen C5975714, MONDO:0014629.

Submission:

Clinical Genomics Laboratory, Washington University in St. Louis
Classification: Uncertain significance for Autoinflammation and autoimmunity with immune dysregulation 1. Last evaluated: 2025-04-24. Review status: criteria provided, single submitter. Criteria: ACMG Guidelines, 2015. Collection method: clinical testing. Allele origin: germline.
Comment: The COPA c.668G>A (p.Gly223Glu) variant, to our knowledge, has not been reported in the medical literature. This variant is absent from the general population (gnomAD v.4.1), indicating it is not a common variant. This variant resides within the anaphase‚Äêpromoting complex subunit 4 WD40 domain of COPA, where most of the disease-associated variants are also located (Zheng Y et al., PMID: 37877458). Computational predictors indicate that the variant is damaging, evidence that correlates with impact on COPA function. Due to limited information, and based on ACMG/AMP guidelines for variant interpretation (Richards S et al., PMID: 25741868), the clinical significance of this variant is uncertain at this time.